The following is an entry in ClinVar:

ClinVar aggregate classification (germline): Uncertain significance. Review status: criteria provided, multiple submitters, no conflicts (2 of 4 stars). 2 submissions from 2 submitters: Uncertain significance (2). Last evaluated 2024-10-06.

Conditions:
Osteogenesis imperfecta type I (OI1). Also called: OI, TYPE I; OSTEOGENESIS IMPERFECTA TARDA; OSTEOGENESIS IMPERFECTA WITH BLUE SCLERAE; Osteogenesis imperfecta type 1; Lobstein's Disease; Lobstein disease. Identifiers: Orphanet 216796, Orphanet 666, MedGen C0023931, MONDO:0008146, OMIM 166200. Disease mechanism: loss of function.
Ehlers-Danlos syndrome, classic type, 1 (EDSCL1). Also called: EHLERS-DANLOS SYNDROME, GRAVIS TYPE; EHLERS-DANLOS SYNDROME, SEVERE CLASSIC TYPE; Ehlers-Danlos syndrome, type 1; EDS I; Ehlers-Danlos Syndrome, Classic Type, COL5A1-Related. Identifiers: MedGen C0268335, MONDO:0019567, OMIM 130000.

Allele frequency attached by ClinVar (database versions not stated): gnomAD exomes 0.00001; TOPMed 0.00001.
gnomAD v4.1: 11 of 1,613,082 alleles (0.00068%); highest among the groups gnomAD compares: Non-Finnish European, 0.00093%; no homozygotes.

Submissions (2):

Labcorp Genetics (formerly Invitae), Labcorp
Classification: Uncertain significance for Osteogenesis imperfecta type I; Ehlers-Danlos syndrome, classic type, 1. Last evaluated: 2024-10-06. Review status: criteria provided, single submitter. Criteria: Invitae Variant Classification Sherloc (09022015). Collection method: clinical testing. Allele origin: germline.
Comment: This sequence change replaces alanine, which is neutral and non-polar, with valine, which is neutral and non-polar, at codon 960 of the COL1A2 protein (p.Ala960Val). This variant is not present in population databases (gnomAD no frequency). This variant has not been reported in the literature in individuals affected with COL1A2-related conditions. ClinVar contains an entry for this variant (Variation ID: 1303565). Invitae Evidence Modeling of protein sequence and biophysical properties (such as structural, functional, and spatial information, amino acid conservation, physicochemical variation, residue mobility, and thermodynamic stability) indicates that this missense variant is not expected to disrupt COL1A2 protein function with a negative predictive value of 95%. In summary, the available evidence is currently insufficient to determine the role of this variant in disease. Therefore, it has been classified as a Variant of Uncertain Significance.

GeneDx
Classification: Uncertain significance. Last evaluated: 2019-07-05. Review status: criteria provided, single submitter. Criteria: GeneDx Variant Classification Process June 2021. Collection method: clinical testing. Allele origin: germline. Affected: yes.
Comment: Has not been previously published as pathogenic or benign to our knowledge; Not observed in large population cohorts (Lek et al., 2016); In silico analysis, which includes protein predictors and evolutionary conservation, supports that this variant does not alter protein structure/function; Occurs in the triple helical domain at the Y position in the canonical Gly-X-Y repeat. Although this variant may have an effect on normal protein folding and function, missense substitution at the Y position is not a common mechanism of disease (Stenson et al., 2014)

NM_000089.4(COL1A2):c.2879C>T (p.Ala960Val)

Gene: COL1A2 (collagen type I alpha 2 chain; plus strand). Cytogenetic location: 7q21.3.
Variant type: single nucleotide variant.
Coding change: c.2879C>T on transcript NM_000089.4 (MANE Select); coding-DNA position 2879, C replaced by T.
Protein change: p.Ala960Val; replaces alanine 960 with valine.
Molecular consequence: missense variant.
Genome position (GRCh38, 1-based): chr7:94,425,793, C>T. VCF-style: chr7-94425793-C-T. GRCh37 (hg19) VCF-style: chr7-94055105-C-T.
Other names: short protein forms A960V.
Identifiers: ClinVar variation 1303565 (VCV001303565.8), dbSNP rs1482901474, ClinGen allele CA368224812.
Genomic context (GRCh38, chr7:94,425,793, plus strand): 5'-CATTTTGCCTTTGGTAGGGAGAGCGCGGTTACCCTGGCAATATTGGTCCCGTTGGTGCTG[C>T]AGGTGCACCTGGTCCTCATGGCCCCGTGGGTCCTGCTGGCAAACATGGAAACCGTGGTGA-3'
Protein context (NP_000080.2, residues 950-970): YPGNIGPVGA[Ala960Val]GAPGPHGPVG